The following is an entry in ClinVar:

NM_052854.4(CREB3L1):c.1231G>T (p.Ala411Ser)

Gene: CREB3L1 (cAMP responsive element binding protein 3 like 1; plus strand). Cytogenetic location: 11p11.2.
Variant type: single nucleotide variant.
Coding change: c.1231G>T on transcript NM_052854.4 (MANE Select); coding-DNA position 1231, G replaced by T.
Protein change: p.Ala411Ser; replaces alanine 411 with serine.
Molecular consequence: missense variant.
Genome position (GRCh38, 1-based): chr11:46,317,460, G>T. VCF-style: chr11-46317460-G-T. GRCh37 (hg19) VCF-style: chr11-46339011-G-T.
Other names: short protein forms A411S.
Identifiers: ClinVar variation 1446665 (VCV001446665.8), dbSNP rs35652107, ClinGen allele CA380224788.

ClinVar aggregate classification (germline): Uncertain significance (1 of 4 stars; one submission).

Submission:

Labcorp Genetics (formerly Invitae), Labcorp
Classification: Uncertain significance. Last evaluated: 2023-08-17. Review status: criteria provided, single submitter. Criteria: Invitae Variant Classification Sherloc (09022015). Collection method: clinical testing. Allele origin: germline.
Comment: This sequence change replaces alanine, which is neutral and non-polar, with serine, which is neutral and polar, at codon 411 of the CREB3L1 protein (p.Ala411Ser). This variant is not present in population databases (gnomAD no frequency). This variant has not been reported in the literature in individuals affected with CREB3L1-related conditions. ClinVar contains an entry for this variant (Variation ID: 1446665). Algorithms developed to predict the effect of missense changes on protein structure and function output the following: SIFT: "Not Available"; PolyPhen-2: "Benign"; Align-GVGD: "Not Available". The serine amino acid residue is found in multiple mammalian species, which suggests that this missense change does not adversely affect protein function. In summary, the available evidence is currently insufficient to determine the role of this variant in disease. Therefore, it has been classified as a Variant of Uncertain Significance.